The following is an entry in ClinVar:

ClinVar aggregate classification (germline): Uncertain significance (1 of 4 stars; one submission).

Allele frequency attached by ClinVar (database versions not stated): gnomAD exomes below 0.00001 and 0.00002; ExAC 0.00001; TOPMed 0.00002.
gnomAD v4.1: 5 of 1,613,422 alleles (0.00031%); highest among the groups gnomAD compares: Admixed American, 0.0067%; no homozygotes.

Submission:

Labcorp Genetics (formerly Invitae), Labcorp
Classification: Uncertain significance. Last evaluated: 2025-03-03. Review status: criteria provided, single submitter. Criteria: Invitae Variant Classification Sherloc (09022015). Collection method: clinical testing. Allele origin: germline.
Comment: This sequence change replaces glutamic acid, which is acidic and polar, with valine, which is neutral and non-polar, at codon 311 of the PALM protein (p.Glu311Val). This variant is present in population databases (rs781245966, gnomAD 0.009%). This variant has not been reported in the literature in individuals affected with PALM-related conditions. ClinVar contains an entry for this variant (Variation ID: 1408276). An algorithm developed to predict the effect of missense changes on protein structure and function (PolyPhen-2) suggests that this variant is likely to be disruptive. In summary, the available evidence is currently insufficient to determine the role of this variant in disease. Therefore, it has been classified as a Variant of Uncertain Significance.

NM_002579.3(PALM):c.932A>T (p.Glu311Val)

Gene: PALM (paralemmin; plus strand). Cytogenetic location: 19p13.3.
Variant type: single nucleotide variant.
Coding change: c.932A>T on transcript NM_002579.3 (MANE Select); coding-DNA position 932, A replaced by T.
Protein change: p.Glu311Val; replaces glutamic acid 311 with valine.
Molecular consequence: missense variant.
Genome position (GRCh38, 1-based): chr19:746,582, A>T. VCF-style: chr19-746582-A-T. GRCh37 (hg19) VCF-style: chr19-746582-A-T.
Other names: c.800A>T, p.Glu267Val (NM_001040134.2); short protein forms E311V, E267V.
Identifiers: ClinVar variation 1408276 (VCV001408276.6), dbSNP rs781245966, ClinGen allele CA9022828.